The following is an entry in ClinVar:

ClinVar aggregate classification (germline): Likely benign (1 of 4 stars; one submission).

Allele frequency attached by ClinVar (database versions not stated): ExAC 0.00004; gnomAD 0.00007.

Submission:

CeGaT Center for Human Genetics Tuebingen
Classification: Likely benign. Last evaluated: 2024-11-01. Review status: criteria provided, single submitter. Criteria: CeGaT Center For Human Genetics Tuebingen Variant Classification Criteria Version 2. Collection method: clinical testing. Allele origin: germline. Affected: yes. Observed: 3 variant alleles.
Comment: MUC2: BP4, BP7

NM_002457.5(MUC2):c.12099C>A (p.Thr4033=)

Gene: MUC2 (mucin 2, oligomeric mucus/gel-forming; plus strand). Cytogenetic location: 11p15.5.
Variant type: single nucleotide variant.
Coding change: c.12099C>A on transcript NM_002457.5 (MANE Select); coding-DNA position 12099, C replaced by A.
Protein change: p.Thr4033=; no amino-acid change (threonine 4033 retained).
Molecular consequence: synonymous variant.
Genome position (GRCh38, 1-based): chr11:1,099,433, C>A. VCF-style: chr11-1099433-C-A. GRCh37 (hg19) VCF-style: chr11-1093341-C-A.
Identifiers: ClinVar variation 2641142 (VCV002641142.24), dbSNP rs55897629, ClinGen allele CA5800068.